The following is an entry in ClinVar:

ClinVar aggregate classification (germline): Uncertain significance. Review status: criteria provided, multiple submitters, no conflicts (2 of 4 stars). 4 submissions from 4 submitters: Uncertain significance (3). 1 of the submissions does not count toward it. Last evaluated 2026-02-01.

Conditions:
Inborn genetic diseases. Identifiers: MedGen C0950123, MeSH D030342.
LRP5-related disorder. Also called: LRP5-related condition.
Bone mineral density quantitative trait locus 1 (BMND1). Identifiers: MedGen C1866079, OMIM 601884.
Exudative vitreoretinopathy 4 (EVR4). Identifiers: Orphanet 891, MedGen C1866176, MONDO:0011151, OMIM 601813.
Osteoporosis. Identifiers: MedGen C0029456, MONDO:0005298, OMIM 166710, HP:0000939.
Polycystic liver disease 4 with or without kidney cysts. Identifiers: MedGen C4693479, MONDO:0044327, OMIM 617875.
Exudative vitreoretinopathy 1 (EVR1). Also called: FEVR, AUTOSOMAL DOMINANT; Familial exudative vitreoretinopathy, autosomal dominant; CRISWICK-SCHEPENS SYNDROME. Identifiers: Orphanet 891, Orphanet 90050, MedGen C1851402, MONDO:0007589, OMIM 133780.
Autosomal dominant osteopetrosis 1 (OPTA1). Also called: OSTEOPETROSIS, AUTOSOMAL DOMINANT, TYPE I. Identifiers: Orphanet 2783, MedGen C1843330, MONDO:0011877, OMIM 607634.
Osteoporosis with pseudoglioma (OPPG). Also called: osteoporosis-pseudoglioma syndrome. Identifiers: Orphanet 2788, MedGen C0432252, MONDO:0009820, OMIM 259770.
Worth disease. Also called: ENDOSTEAL HYPEROSTOSIS, AUTOSOMAL DOMINANT; OSTEOSCLEROSIS, AUTOSOMAL DOMINANT; Autosomal dominant osteosclerosis, Worth type. Identifiers: Orphanet 2790, MedGen C0432273, MONDO:0007764, OMIM 144750.

Allele frequency attached by ClinVar (database versions not stated): gnomAD 0.00005; gnomAD exomes 0.00007 and 0.00010; TOPMed 0.00008; ExAC 0.00012.
gnomAD v4.1: 145 of 1,611,396 alleles (0.009%); highest among the groups gnomAD compares: Middle Eastern, 0.017%; no homozygotes.

Submissions (4):

Labcorp Genetics (formerly Invitae), Labcorp
Classification: Uncertain significance. Last evaluated: 2026-02-01. Review status: criteria provided, single submitter. Criteria: Invitae Variant Classification Sherloc (09022015). Collection method: clinical testing. Allele origin: germline.
Comment: This sequence change replaces serine, which is neutral and polar, with leucine, which is neutral and non-polar, at codon 227 of the LRP5 protein (p.Ser227Leu). This variant is present in population databases (rs200384949, gnomAD 0.01%). This variant has not been reported in the literature in individuals affected with LRP5-related conditions. ClinVar contains an entry for this variant (Variation ID: 849611). Invitae Evidence Modeling of protein sequence and biophysical properties (such as structural, functional, and spatial information, amino acid conservation, physicochemical variation, residue mobility, and thermodynamic stability) has been performed for this missense variant. However, the output from this modeling did not meet the statistical confidence thresholds required to predict the impact of this variant on LRP5 protein function. In summary, the available evidence is currently insufficient to determine the role of this variant in disease. Therefore, it has been classified as a Variant of Uncertain Significance.

Ambry Genetics
Classification: Uncertain significance for Inborn genetic diseases. Last evaluated: 2025-05-29. Review status: criteria provided, single submitter. Criteria: Ambry Variant Classification Scheme 2023. Collection method: clinical testing. Allele origin: germline.

Fulgent Genetics
Classification: Uncertain significance for Exudative vitreoretinopathy 1; Worth disease; Osteoporosis; Osteoporosis with pseudoglioma; Exudative vitreoretinopathy 4; Bone mineral density quantitative trait locus 1; Autosomal dominant osteopetrosis 1; Polycystic liver disease 4 with or without kidney cysts. Last evaluated: 2022-04-01. Review status: criteria provided, single submitter. Criteria: ACMG Guidelines, 2015. Collection method: clinical testing. Allele origin: unknown.

PreventionGenetics, part of Exact Sciences
Classification: Uncertain significance for LRP5-related condition. Last evaluated: 2024-08-30. Review status: no assertion criteria provided. Collection method: clinical testing. Allele origin: germline. Not counted in ClinVar's aggregate classification.
Comment: The LRP5 c.680C>T variant is predicted to result in the amino acid substitution p.Ser227Leu. To our knowledge, this variant has not been reported in the literature. This variant is reported in 0.014% of alleles in individuals of European (Non-Finnish) descent in gnomAD. At this time, the clinical significance of this variant is uncertain due to the absence of conclusive functional and genetic evidence.

NM_002335.4(LRP5):c.680C>T (p.Ser227Leu)

Gene: LRP5 (LDL receptor related protein 5; plus strand). Cytogenetic location: 11q13.2.
Variant type: single nucleotide variant.
Coding change: c.680C>T on transcript NM_002335.4 (MANE Select); coding-DNA position 680, C replaced by T.
Protein change: p.Ser227Leu; replaces serine 227 with leucine.
Molecular consequence: missense variant. On other transcripts: 5 prime UTR variant (1).
Genome position (GRCh38, 1-based): chr11:68,357,841, C>T. VCF-style: chr11-68357841-C-T. GRCh37 (hg19) VCF-style: chr11-68125309-C-T.
Other names: c.680C>T (NM_002335.2); c.-1086C>T (NM_001291902.2); short protein forms S227L.
Identifiers: ClinVar variation 849611 (VCV000849611.14), dbSNP rs200384949, ClinGen allele CA6149069.
Genomic context (GRCh38, chr11:68,357,841, plus strand): 5'-AGAAGCTCTACTGGGCTGACGCCAAGCTCAGCTTCATCCACCGTGCCAACCTGGACGGCT[C>T]GTTCCGGTAGGTACCCACGCAGTCCTGGGGCACCCCTTTCCCCTTTGTCCCCAGGGCTTT-3'
Protein context (NP_002326.2, residues 217-237): SFIHRANLDG[Ser227Leu]FRQKVVEGSL